The following is an entry in ClinVar:

ClinVar aggregate classification (germline): Likely benign (0 of 4 stars; one submission).

Conditions:
GON4L-related disorder. Also called: GON4L-related condition.

Allele frequency attached by ClinVar (database versions not stated): gnomAD 0.00004; ExAC 0.00007; TOPMed 0.00007; gnomAD exomes 0.00018; ESP Exome Variant Server 0.00023.
gnomAD v4.1: 267 of 1,613,782 alleles (0.017%); highest among the groups gnomAD compares: Non-Finnish European, 0.019%; no homozygotes.

Submission:

PreventionGenetics, part of Exact Sciences
Classification: Likely benign for GON4L-related condition. Last evaluated: 2019-12-06. Review status: no assertion criteria provided. Collection method: clinical testing. Allele origin: germline.
Comment: This variant is classified as likely benign based on ACMG/AMP sequence variant interpretation guidelines (Richards et al. 2015 PMID: 25741868, with internal and published modifications).

NM_001282860.2(GON4L):c.2040T>C (p.Thr680=)

Gene: GON4L (gon-4 like; minus strand). Cytogenetic location: 1q22.
Variant type: single nucleotide variant.
Coding change: c.2040T>C on transcript NM_001282860.2 (MANE Select); coding-DNA position 2040, T replaced by C.
Protein change: p.Thr680=; no amino-acid change (threonine 680 retained).
Molecular consequence: synonymous variant.
Genome position (GRCh38, 1-based): chr1:155,777,673, A>G on the plus strand (T>C on the coding strand, the complement: GON4L is on the minus strand). VCF-style: chr1-155777673-A-G. GRCh37 (hg19) VCF-style: chr1-155747464-A-G.
Other names: c.2040T>C, p.Thr680= (NM_001282856.2, NM_001282858.2, NM_001282861.2 and 1 more transcripts).
Identifiers: ClinVar variation 3048148 (VCV003048148.2), dbSNP rs143202491, ClinGen allele CA1150945.